The following is an entry in ClinVar:

ClinVar aggregate classification (germline): Uncertain significance (1 of 4 stars; one submission).

Allele frequency attached by ClinVar (database versions not stated): gnomAD exomes below 0.00001.
gnomAD v4.1: 1 of 1,614,130 alleles (0.000062%); highest among the groups gnomAD compares: East Asian, 0.0022%; no homozygotes.

Submission:

Labcorp Genetics (formerly Invitae), Labcorp
Classification: Uncertain significance. Last evaluated: 2021-11-01. Review status: criteria provided, single submitter. Criteria: Invitae Variant Classification Sherloc (09022015). Collection method: clinical testing. Allele origin: germline.
Comment: This variant is not present in population databases (gnomAD no frequency). This sequence change replaces isoleucine, which is neutral and non-polar, with valine, which is neutral and non-polar, at codon 244 of the NDUFS2 protein (p.Ile244Val). This variant has not been reported in the literature in individuals affected with NDUFS2-related conditions. In summary, the available evidence is currently insufficient to determine the role of this variant in disease. Therefore, it has been classified as a Variant of Uncertain Significance. Algorithms developed to predict the effect of missense changes on protein structure and function (SIFT, PolyPhen-2, Align-GVGD) all suggest that this variant is likely to be tolerated.

NM_001377299.1(NDUFS2):c.730A>G (p.Ile244Val)

Gene: NDUFS2 (NADH:ubiquinone oxidoreductase core subunit S2; plus strand). Cytogenetic location: 1q23.3.
Variant type: single nucleotide variant.
Coding change: c.730A>G on transcript NM_001377299.1 (MANE Select); coding-DNA position 730, A replaced by G.
Protein change: p.Ile244Val; replaces isoleucine 244 with valine.
Molecular consequence: missense variant. On other transcripts: non-coding transcript variant (1).
Genome position (GRCh38, 1-based): chr1:161,210,138, A>G. VCF-style: chr1-161210138-A-G. GRCh37 (hg19) VCF-style: chr1-161179928-A-G.
Other names: c.730A>G, p.Ile244Val (NM_001166159.2, NM_001377298.1, NM_001377300.1 and 3 more transcripts); short protein forms I244V.
Identifiers: ClinVar variation 1348581 (VCV001348581.6), dbSNP rs2102047781, ClinGen allele CA343380158.